The following is an entry in ClinVar:

NM_004304.5(ALK):c.3772A>C (p.Thr1258Pro)

Gene: ALK (ALK receptor tyrosine kinase; minus strand). Cytogenetic location: 2p23.2.
Variant type: single nucleotide variant.
Coding change: c.3772A>C on transcript NM_004304.5 (MANE Select); coding-DNA position 3772, A replaced by C.
Protein change: p.Thr1258Pro; replaces threonine 1258 with proline.
Molecular consequence: missense variant.
Genome position (GRCh38, 1-based): chr2:29,209,850, T>G on the plus strand (A>C on the coding strand, the complement: ALK is on the minus strand). VCF-style: chr2-29209850-T-G. GRCh37 (hg19) VCF-style: chr2-29432716-T-G.
Other names: c.568A>C, p.Thr190Pro (NM_001353765.2); short protein forms T1258P, T190P.
Identifiers: ClinVar variation 2586667 (VCV002586667.2), dbSNP rs2148155294, ClinGen allele CA346469766.

ClinVar aggregate classification (germline): Uncertain significance (1 of 4 stars; one submission).

Conditions:
Hereditary cancer-predisposing syndrome. Also called: Hereditary neoplastic syndrome; Tumor predisposition; Hereditary Cancer Syndrome; Neoplastic Syndromes, Hereditary. Identifiers: Orphanet 140162, MedGen C0027672, MeSH D009386, MONDO:0015356.

Submission:

Ambry Genetics
Classification: Uncertain significance for Hereditary cancer-predisposing syndrome. Last evaluated: 2023-06-18. Review status: criteria provided, single submitter. Criteria: Ambry Variant Classification Scheme 2023. Collection method: clinical testing. Allele origin: germline.
Comment: The p.T1258P variant (also known as c.3772A>C), located in coding exon 25 of the ALK gene, results from an A to C substitution at nucleotide position 3772. The threonine at codon 1258 is replaced by proline, an amino acid with highly similar properties. This amino acid position is conserved. In addition, this alteration is predicted to be deleterious by in silico analysis. Since supporting evidence is limited at this time, the clinical significance of this alteration remains unclear.